The following is an entry in ClinVar:

ClinVar aggregate classification (germline): Uncertain significance (1 of 4 stars; one submission).

Conditions:
SPTA1-related disorder. Also called: SPTA1-related disorders; SPTA1-related condition.

gnomAD v4.1: 2 of 1,613,014 alleles (0.00012%); highest among the groups gnomAD compares: Middle Eastern, 0.017%; no homozygotes.

Submission:

PreventionGenetics, part of Exact Sciences
Classification: Uncertain significance for SPTA1-related condition. Last evaluated: 2025-03-05. Review status: criteria provided, single submitter. Criteria: ACMG Guidelines, 2015. Collection method: clinical testing. Allele origin: germline.
Comment: The SPTA1 c.5001T>A variant is predicted to result in the amino acid substitution p.Asn1667Lys. To our knowledge, this variant has not been reported in the literature. This variant is reported in 0.00089% of alleles in individuals of European (Non-Finnish) descent in gnomAD. At this time, the clinical significance of this variant is uncertain due to the absence of conclusive functional and genetic evidence.

NM_003126.4(SPTA1):c.5001T>A (p.Asn1667Lys)

Gene: SPTA1 (spectrin alpha, erythrocytic 1; minus strand). Cytogenetic location: 1q23.1.
Variant type: single nucleotide variant.
Coding change: c.5001T>A on transcript NM_003126.4 (MANE Select); coding-DNA position 5001, T replaced by A.
Protein change: p.Asn1667Lys; replaces asparagine 1667 with lysine.
Molecular consequence: missense variant.
Genome position (GRCh38, 1-based): chr1:158,638,221, A>T on the plus strand (T>A on the coding strand, the complement: SPTA1 is on the minus strand). VCF-style: chr1-158638221-A-T. GRCh37 (hg19) VCF-style: chr1-158608011-A-T.
Other names: short protein forms N1667K.
Identifiers: ClinVar variation 4987690 (VCV004987690.1).